The following is an entry in ClinVar:

NM_001394998.1(TANC2):c.4797T>C (p.Arg1599=)

Gene: TANC2 (tetratricopeptide repeat, ankyrin repeat and coiled-coil containing 2; plus strand). Cytogenetic location: 17q23.3.
Variant type: single nucleotide variant.
Coding change: c.4797T>C on transcript NM_001394998.1 (MANE Select); coding-DNA position 4797, T replaced by C.
Protein change: p.Arg1599=; no amino-acid change (arginine 1599 retained).
Molecular consequence: synonymous variant.
Genome position (GRCh38, 1-based): chr17:63,420,527, T>C. VCF-style: chr17-63420527-T-C. GRCh37 (hg19) VCF-style: chr17-61497888-T-C.
Other names: c.4575T>C, p.Arg1525= (NM_001411076.1); c.4545T>C, p.Arg1515= (NM_025185.4).
Identifiers: ClinVar variation 2648065 (VCV002648065.24), dbSNP rs2510594656, ClinGen allele CA501340501.

ClinVar aggregate classification (germline): Likely benign (1 of 4 stars; one submission).

Submission:

CeGaT Center for Human Genetics Tuebingen
Classification: Likely benign. Last evaluated: 2023-02-01. Review status: criteria provided, single submitter. Criteria: CeGaT Center For Human Genetics Tuebingen Variant Classification Criteria Version 2. Collection method: clinical testing. Allele origin: germline. Affected: yes. Observed: 1 variant allele.
Comment: TANC2: PM2:Supporting, BP4, BP7